The following is an entry in ClinVar:

ClinVar aggregate classification (germline): Uncertain significance. Review status: criteria provided, multiple submitters, no conflicts (2 of 4 stars). 4 submissions from 4 submitters: Uncertain significance (4). Last evaluated 2026-03-27.

Allele frequency attached by ClinVar (database versions not stated): gnomAD 0.00109 and 0.00106; 1000 Genomes Project 0.00120; ESP Exome Variant Server 0.00085; gnomAD exomes 0.00088; ExAC 0.00093; TOPMed 0.00103; 1000 Genomes Project 30x 0.00109.
gnomAD v4.1: 2,523 of 1,613,632 alleles (0.16%); highest among the groups gnomAD compares: Non-Finnish European, 0.19%; 3 homozygotes.

Submissions (4):

GeneDx
Classification: Uncertain significance. Last evaluated: 2026-03-27. Review status: criteria provided, single submitter. Criteria: GeneDx Variant Classification Process June 2021. Collection method: clinical testing. Allele origin: germline.
Comment: In silico analysis suggests that this missense variant does not alter protein structure/function; Has not been previously published as pathogenic or benign to our knowledge

Blueprint Genetics
Classification: Uncertain significance. Last evaluated: 2024-11-22. Review status: criteria provided, single submitter. Criteria: ACMG Guidelines, 2015. Collection method: clinical testing. Allele origin: germline.

CeGaT Center for Human Genetics Tuebingen
Classification: Uncertain significance. Last evaluated: 2017-07-01. Review status: criteria provided, single submitter. Criteria: CeGaT Center For Human Genetics Tuebingen Variant Classification Criteria Version 2. Collection method: clinical testing. Allele origin: germline. Affected: yes. Observed: 1 variant allele.

Breakthrough Genomics
Classification: Uncertain significance. Review status: criteria provided, single submitter. Criteria: ACMG Guidelines, 2015. Collection method: not provided. Allele origin: germline. Inheritance: Autosomal dominant inheritance. Affected: yes.

NM_058004.4(PI4KA):c.2665A>G (p.Met889Val)

Gene: PI4KA (phosphatidylinositol 4-kinase alpha; minus strand). Cytogenetic location: 22q11.21.
Variant type: single nucleotide variant.
Coding change: c.2665A>G on transcript NM_058004.4 (MANE Select); coding-DNA position 2665, A replaced by G.
Protein change: p.Met889Val; replaces methionine 889 with valine.
Molecular consequence: missense variant.
Genome position (GRCh38, 1-based): chr22:20,764,860, T>C on the plus strand (A>G on the coding strand, the complement: PI4KA is on the minus strand). VCF-style: chr22-20764860-T-C. GRCh37 (hg19) VCF-style: chr22-21119148-T-C.
Other names: c.2665A>G, p.Met889Val (NM_001362862.2); c.2599A>G, p.Met867Val (NM_001362863.2); c.2665A>G (NM_058004.3); short protein forms M889V, M867V.
Identifiers: ClinVar variation 809321 (VCV000809321.46), dbSNP rs61752244, ClinGen allele CA10115651.